The following is an entry in ClinVar:

ClinVar aggregate classification (germline): Pathogenic/Likely pathogenic. Review status: criteria provided, multiple submitters, no conflicts (2 of 4 stars). 3 submissions from 3 submitters: Pathogenic (1); Likely pathogenic (2). Last evaluated 2026-02-02.

Conditions:
Arrhythmogenic cardiomyopathy with wooly hair and keratoderma. Also called: PALMOPLANTAR KERATODERMA WITH LEFT VENTRICULAR CARDIOMYOPATHY AND WOOLLY HAIR; Carvajal syndrome; Dilated cardiomyopathy with woolly hair and keratoderma; Arrhythmogenic cardiomyopathy with woolly hair and keratoderma. Identifiers: Orphanet 65282, MedGen C1854063, MONDO:0011581, OMIM 605676.
Arrhythmogenic right ventricular dysplasia 8 (ARVD8). Also called: ARRHYTHMOGENIC RIGHT VENTRICULAR DYSPLASIA, FAMILIAL, 8; ARRHYTHMOGENIC RIGHT VENTRICULAR CARDIOMYOPATHY 8; Arrhythmogenic Right Ventricular Dysplasia/Cardiomyopathy 8. Identifiers: MedGen C1843896, MONDO:0011831, OMIM 607450.

Submissions (3):

Dasa
Classification: Likely pathogenic for Arrhythmogenic cardiomyopathy with wooly hair and keratoderma. Last evaluated: 2026-02-02. Review status: criteria provided, single submitter. Criteria: DASA Assertion Criteria. Collection method: clinical testing. Allele origin: germline.
Comment: NM_004415.4(DSP):c.5438_5441del (p.Glu1813Alafs*4) is a frameshift variant in DSP predicted to alter the reading frame and introduce a premature termination codon and is predicted to result in an absent or altered protein product. Loss of function is an established disease mechanism for DSP (PMID: 31514951; PMID: 27532257; PMID: 24503780). Also, this variant is rare in population databases. Based on the currently available evidence, this variant is classified as likely pathogenic.

Labcorp Genetics (formerly Invitae), Labcorp
Classification: Pathogenic for Arrhythmogenic cardiomyopathy with wooly hair and keratoderma; Arrhythmogenic right ventricular dysplasia 8. Last evaluated: 2025-02-26. Review status: criteria provided, single submitter. Criteria: Invitae Variant Classification Sherloc (09022015). Collection method: clinical testing. Allele origin: germline.
Comment: This sequence change creates a premature translational stop signal (p.Glu1813Alafs*4) in the DSP gene. While this is not anticipated to result in nonsense mediated decay, it is expected to disrupt the last 1059 amino acid(s) of the DSP protein. This variant is not present in population databases (gnomAD no frequency). This variant has not been reported in the literature in individuals affected with DSP-related conditions. This variant disrupts a region of the DSP protein in which other variant(s) (p.Glu2728Glyfs*11) have been determined to be pathogenic (internal data). This suggests that this is a clinically significant region of the protein, and that variants that disrupt it are likely to be disease-causing. For these reasons, this variant has been classified as Pathogenic.

GeneDx
Classification: Likely pathogenic. Last evaluated: 2025-02-19. Review status: criteria provided, single submitter. Criteria: GeneDx Variant Classification Process June 2021. Collection method: clinical testing. Allele origin: germline. Affected: yes.
Comment: Has not been previously published as pathogenic or benign to our knowledge; Not observed at significant frequency in large population cohorts (gnomAD); Frameshift variant predicted to result in abnormal protein length as the last 1059 amino acid(s) are replaced with 3 different amino acid(s), and other similar variants have been reported in HGMD

Literature cited by the submitters: PubMed 31514951 (cited by Dasa); PubMed 27532257 (cited by Dasa); PubMed 24503780 (cited by Dasa).

NM_004415.4(DSP):c.5438_5441del (p.Glu1813fs)

Gene: DSP (desmoplakin; plus strand). Cytogenetic location: 6p24.3.
Variant type: Microsatellite.
Coding change: c.5438_5441del on transcript NM_004415.4 (MANE Select); coding-DNA positions 5438 to 5441, 4 bases deleted (AGAG; older notation c.5438_5441delAGAG).
Protein change: p.Glu1813fs; shifts the reading frame from glutamic acid 1813.
Molecular consequence: frameshift variant.
Genome position (GRCh38, 1-based): chr6:7,582,700-7,582,703, AGAG deleted; deleting any 4 consecutive bases within chr6:7,582,696-7,582,703 gives the same sequence; the c. name uses the placement nearest the transcript's 3' end. VCF-style (leftmost placement, unchanged base first): chr6-7582695-AAGAG-A. GRCh37 (hg19) VCF-style: chr6-7582928-AAGAG-A.
Other names: c.5438_5441del (NM_004415.2); c.3641_3644del, p.Glu1214fs (NM_001008844.3); c.4109_4112del, p.Glu1370fs (NM_001319034.2); c.5434_5435AG[2], p.Glu1813Alafs (NM_004415.2); short protein forms E1214fs, E1370fs, E1813fs.
Identifiers: ClinVar variation 2950495 (VCV002950495.6), dbSNP rs2533935968, ClinGen allele CA2677234643.